The following is an entry in ClinVar:

NM_001242896.3(DEPDC5):c.3021+2T>G

Gene: DEPDC5 (DEP domain containing 5, GATOR1 subcomplex subunit; plus strand). Cytogenetic location: 22q12.3.
Variant type: single nucleotide variant.
Coding change: c.3021+2T>G on transcript NM_001242896.3 (MANE Select); the canonical splice donor site of the intron after coding-DNA position 3021, T replaced by G.
Molecular consequence: splice donor variant.
Genome position (GRCh38, 1-based): chr22:31,845,239, T>G. VCF-style: chr22-31845239-T-G. GRCh37 (hg19) VCF-style: chr22-32241225-T-G.
Other names: c.3021+2T>G (NM_001363852.2, NM_001364320.2, NM_001364318.2); c.2787+2T>G (NM_001363854.2, NM_001242897.2, NM_001364319.2); c.2937+2T>G (NM_001369902.1, NM_001369901.1); c.2994+2T>G (NM_001369903.1, NM_001136029.4, NM_014662.6).
Identifiers: ClinVar variation 2767702 (VCV002767702.3), dbSNP rs2520194099, ClinGen allele CA411291605.
Genomic context (GRCh38, chr22:31,845,239, plus strand): 5'-GCTTTGTGGAGGGCTTGAATCGCATTCGCAGGCGGCATCGCTCGGATCGCATGATGCGGG[T>G]AAGGGCTCCTTAGACTCAGGGAGTGCGCCTGGTGTGAGATGCAGGGCCTGCCACCTCCTC-3'

ClinVar aggregate classification (germline): Pathogenic (1 of 4 stars; one submission).

Conditions:
Familial focal epilepsy with variable foci (FPEVF). Identifiers: Orphanet 98820, MedGen C1858477, MONDO:0020310.

Submission:

Labcorp Genetics (formerly Invitae), Labcorp
Classification: Pathogenic for Familial focal epilepsy with variable foci. Last evaluated: 2023-10-12. Review status: criteria provided, single submitter. Criteria: Invitae Variant Classification Sherloc (09022015). Collection method: clinical testing. Allele origin: germline.
Comment: This sequence change affects a donor splice site in intron 30 of the DEPDC5 gene. It is expected to disrupt RNA splicing. Variants that disrupt the donor or acceptor splice site typically lead to a loss of protein function (PMID: 16199547), and loss-of-function variants in DEPDC5 are known to be pathogenic (PMID: 23542697, 23542701). This variant is not present in population databases (gnomAD no frequency). Disruption of this splice site has been observed in individuals with DEPDC5-related conditions (PMID: 30093711; Invitae). Algorithms developed to predict the effect of sequence changes on RNA splicing suggest that this variant may disrupt the consensus splice site. For these reasons, this variant has been classified as Pathogenic.

Literature cited by the submitters: PubMed 16199547; PubMed 23542697; PubMed 23542701; PubMed 30093711.